The following is an entry in ClinVar:

NC_000009.11:g.(13133904_13136090)_(13136182_13136710)del

Gene: MPDZ (multiple PDZ domain crumbs cell polarity complex component; minus strand). Cytogenetic location: 9p23.
Variant type: Deletion.
Identifiers: ClinVar variation 2691339 (VCV002691339.1).

ClinVar aggregate classification (germline): Pathogenic (1 of 4 stars; one submission).

Conditions:
Hydrocephalus, nonsyndromic, autosomal recessive 2. Also called: Hydrocephalus, congenital, 2, with or without brain or eye anomalies. Identifiers: Orphanet 2185, MedGen C3554691, MONDO:0014085, OMIM 615219.

Submission:

Women's Health and Genetics/Laboratory Corporation of America, LabCorp
Classification: Pathogenic for Hydrocephalus, nonsyndromic, autosomal recessive 2. Last evaluated: 2023-12-19. Review status: criteria provided, single submitter. Criteria: LabCorp Variant Classification Summary - May 2015. Collection method: clinical testing. Allele origin: germline.
Comment: Variant summary: The variant involves the deletion of exon 31 in the MPDZ gene. A presumed nomenclature of c.(4292+1_4293-1)_(4383+1_4384-1)del has been designated for the purposes of this classification. This Copy Number Variant (CNV) is predicted to result in an out-of-frame deletion within this gene. The variant was absent in 21694 control chromosomes (gnomAD, structural variants dataset). To our knowledge, no occurrence of c.(4292+1_4293-1)_(4383+1_4384-1)del in individuals affected with Hydrocephalus, Nonsyndromic, Autosomal Recessive 2 and no experimental evidence demonstrating its impact on protein function have been reported. No submitters have cited clinical-significance assessments for this variant to ClinVar after 2014. Based on the evidence outlined above, the variant was classified as pathogenic.